The following is an entry in ClinVar:

NM_017514.5(PLXNA3):c.2136G>A (p.Pro712=)

Gene: PLXNA3 (plexin A3; plus strand). Cytogenetic location: Xq28.
Variant type: single nucleotide variant.
Coding change: c.2136G>A on transcript NM_017514.5 (MANE Select); coding-DNA position 2136, G replaced by A.
Protein change: p.Pro712=; no amino-acid change (proline 712 retained).
Molecular consequence: synonymous variant.
Genome position (GRCh38, 1-based): chrX:154,465,110, G>A. VCF-style: chrX-154465110-G-A. GRCh37 (hg19) VCF-style: chrX-153693453-G-A.
Identifiers: ClinVar variation 4980889 (VCV004980889.1).

ClinVar aggregate classification (germline): Likely benign (1 of 4 stars; one submission).

Conditions:
PLXNA3-related disorder. Also called: PLXNA3-related condition.

gnomAD v4.1: 52 of 1,209,089 alleles (0.0043%); highest among the groups gnomAD compares: South Asian, 0.019%; no homozygotes.

Submission:

PreventionGenetics, part of Exact Sciences
Classification: Likely benign for PLXNA3-related condition. Last evaluated: 2025-07-01. Review status: criteria provided, single submitter. Criteria: ACMG Guidelines, 2015. Collection method: clinical testing. Allele origin: germline.
Comment: This variant is classified as likely benign based on ACMG/AMP sequence variant interpretation guidelines (Richards et al. 2015 PMID: 25741868, with internal and published modifications).